The following is an entry in ClinVar:

ClinVar aggregate classification (germline): Uncertain significance (1 of 4 stars; one submission).

gnomAD v4.1: 7 of 1,613,956 alleles (0.00043%); highest among the groups gnomAD compares: Admixed American, 0.005%; no homozygotes.

Submission:

Labcorp Genetics (formerly Invitae), Labcorp
Classification: Uncertain significance. Last evaluated: 2025-02-02. Review status: criteria provided, single submitter. Criteria: Invitae Variant Classification Sherloc (09022015). Collection method: clinical testing. Allele origin: germline.
Comment: This sequence change replaces valine, which is neutral and non-polar, with isoleucine, which is neutral and non-polar, at codon 584 of the ACTN1 protein (p.Val584Ile). This variant is present in population databases (rs750475462, gnomAD 0.009%). This variant has not been reported in the literature in individuals affected with ACTN1-related conditions. An algorithm developed to predict the effect of missense changes on protein structure and function (PolyPhen-2) suggests that this variant is likely to be tolerated. In summary, the available evidence is currently insufficient to determine the role of this variant in disease. Therefore, it has been classified as a Variant of Uncertain Significance.

NM_001130004.2(ACTN1):c.1750G>A (p.Val584Ile)

Gene: ACTN1 (actinin alpha 1; minus strand). Cytogenetic location: 14q24.1.
Variant type: single nucleotide variant.
Coding change: c.1750G>A on transcript NM_001130004.2 (MANE Select); coding-DNA position 1750, G replaced by A.
Protein change: p.Val584Ile; replaces valine 584 with isoleucine.
Molecular consequence: missense variant. On other transcripts: intron variant (5).
Genome position (GRCh38, 1-based): chr14:68,882,941, C>T on the plus strand (G>A on the coding strand, the complement: ACTN1 is on the minus strand). VCF-style: chr14-68882941-C-T. GRCh37 (hg19) VCF-style: chr14-69349658-C-T.
Other names: c.1750G>A, p.Val584Ile (NM_001102.4, NM_001130005.2, NM_001424012.1 and 2 more transcripts); c.1774G>A, p.Val592Ile (NM_001411035.1, NM_001424016.1); c.1555G>A, p.Val519Ile (NM_001411036.1, NM_001424026.1, NM_001424028.1); c.1876G>A, p.Val626Ile (NM_001424013.1); c.1837G>A, p.Val613Ile (NM_001424015.1); c.1747G>A, p.Val583Ile (NM_001424017.1); c.1711G>A, p.Val571Ile (NM_001424018.1); c.1687G>A, p.Val563Ile (NM_001424020.1, NM_001424022.1); and 3 more; short protein forms V309I, V584I, V592I, V519I, V561I, V563I, V571I, V583I.
Identifiers: ClinVar variation 3694947 (VCV003694947.2).